The following is an entry in ClinVar:

NM_001127222.2(CACNA1A):c.4950+1G>T

Gene: CACNA1A (calcium voltage-gated channel subunit alpha1 A; minus strand). Cytogenetic location: 19p13.13.
Variant type: single nucleotide variant.
Coding change: c.4950+1G>T on transcript NM_001127222.2 (MANE Select); the canonical splice donor site of the intron after coding-DNA position 4950, G replaced by T.
Molecular consequence: splice donor variant.
Genome position (GRCh38, 1-based): chr19:13,245,181, C>A on the plus strand (G>T on the coding strand, the complement: CACNA1A is on the minus strand). VCF-style: chr19-13245181-C-A. GRCh37 (hg19) VCF-style: chr19-13355995-C-A.
Other names: c.4953+1G>T (NM_001127221.2, NM_001174080.2); c.4962+1G>T (NM_000068.4, NM_023035.3).
Identifiers: ClinVar variation 567724 (VCV000567724.10), dbSNP rs1568457080, ClinGen allele CA404337849.

ClinVar aggregate classification (germline): Pathogenic. Review status: criteria provided, multiple submitters, no conflicts (2 of 4 stars). 2 submissions from 2 submitters: Pathogenic (2). Last evaluated 2020-02-11.

Conditions:
Episodic ataxia type 2 (EA2). Also called: ACETAZOLAMIDE-RESPONSIVE HEREDITARY PAROXYSMAL CEREBELLAR ATAXIA; CEREBELLAR ATAXIA, PAROXYSMAL, ACETAZOLAMIDE-RESPONSIVE; CEREBELLOPATHY, HEREDITARY PAROXYSMAL; EPISODIC ATAXIA, NYSTAGMUS-ASSOCIATED; ATAXIA, EPISODIC, WITH NYSTAGMUS; ATAXIA, FAMILIAL PAROXYSMAL. Identifiers: Orphanet 97, MedGen C1720416, MONDO:0007163, OMIM 108500.
Developmental and epileptic encephalopathy, 42 (DEE42A). Also called: DEVELOPMENTAL AND EPILEPTIC ENCEPHALOPATHY 42A; EPILEPTIC ENCEPHALOPATHY, EARLY INFANTILE, 42A; Epileptic encephalopathy, early infantile, 42. Identifiers: MedGen C4310716, MONDO:0014917, OMIM 617106.

Submissions (2):

Labcorp Genetics (formerly Invitae), Labcorp
Classification: Pathogenic for Developmental and epileptic encephalopathy, 42; Episodic ataxia type 2. Last evaluated: 2020-02-11. Review status: criteria provided, single submitter. Criteria: Invitae Variant Classification Sherloc (09022015). Collection method: clinical testing. Allele origin: germline.
Comment: Donor and acceptor splice site variants typically lead to a loss of protein function (PMID: 16199547), and loss-of-function variants in CACNA1A are known to be pathogenic (PMID: 10371528, 19486177, 25735478, 27250579). For these reasons, this variant has been classified as Pathogenic. This variant disrupts the c.4953+1 nucleotide in the CACNA1A gene. Other variant(s) that disrupt this nucleotide have been determined to be pathogenic (PMID: 24420976). This suggests that this nucleotide is clinically-significant, and that variants that disrupt this position are likely to be disease-causing. Algorithms developed to predict the effect of sequence changes on RNA splicing suggest that this variant may disrupt the consensus splice site, but this prediction has not been confirmed by published transcriptional studies. This variant has not been reported in the literature in individuals with CACNA1A-related conditions. ClinVar contains an entry for this variant (Variation ID: 567724). This variant is not present in population databases (ExAC no frequency). This sequence change affects a donor splice site in intron 31 of the CACNA1A gene. It is expected to disrupt RNA splicing and likely results in an absent or disrupted protein product.

Athena Diagnostics
Classification: Pathogenic. Last evaluated: 2019-02-14. Review status: criteria provided, single submitter. Criteria: Athena Diagnostics Criteria. Collection method: clinical testing. Allele origin: germline.
Comment: The variant disrupts a canonical splice site, and is therefore predicted to result in the loss of a functional protein. Found in at least one symptomatic patient, and not found in general population data.

SCV001146673.1 was updated by NCBI to version 2 to correct an internal transcript remapping error that resulted in an incorrect HGVS and Variation ID.

Literature cited by the submitters: PubMed 16199547 (cited by Labcorp Genetics (formerly Invitae), Labcorp); PubMed 10371528 (cited by Labcorp Genetics (formerly Invitae), Labcorp); PubMed 19486177 (cited by Labcorp Genetics (formerly Invitae), Labcorp); PubMed 25735478 (cited by Labcorp Genetics (formerly Invitae), Labcorp); PubMed 27250579 (cited by Labcorp Genetics (formerly Invitae), Labcorp); PubMed 24420976 (cited by Labcorp Genetics (formerly Invitae), Labcorp).